The following is an entry in ClinVar:

NM_004415.4(DSP):c.5399A>G (p.Glu1800Gly)

Gene: DSP (desmoplakin; plus strand). Cytogenetic location: 6p24.3.
Variant type: single nucleotide variant.
Coding change: c.5399A>G on transcript NM_004415.4 (MANE Select); coding-DNA position 5399, A replaced by G.
Protein change: p.Glu1800Gly; replaces glutamic acid 1800 with glycine.
Molecular consequence: missense variant.
Genome position (GRCh38, 1-based): chr6:7,582,661, A>G. VCF-style: chr6-7582661-A-G. GRCh37 (hg19) VCF-style: chr6-7582894-A-G.
Other names: c.3602A>G, p.Glu1201Gly (NM_001008844.3); c.4070A>G, p.Glu1357Gly (NM_001319034.2); short protein forms E1201G, E1357G, E1800G.
Identifiers: ClinVar variation 3070424 (VCV003070424.1), dbSNP rs1019382615, ClinGen allele CA133971820.

ClinVar aggregate classification (germline): Uncertain significance (1 of 4 stars; one submission).

Conditions:
Arrhythmogenic cardiomyopathy with wooly hair and keratoderma. Also called: PALMOPLANTAR KERATODERMA WITH LEFT VENTRICULAR CARDIOMYOPATHY AND WOOLLY HAIR; Carvajal syndrome; Dilated cardiomyopathy with woolly hair and keratoderma; Arrhythmogenic cardiomyopathy with woolly hair and keratoderma. Identifiers: Orphanet 65282, MedGen C1854063, MONDO:0011581, OMIM 605676.

Allele frequency attached by ClinVar (database versions not stated): TOPMed below 0.00001; gnomAD 0.00001; gnomAD exomes 0.00001.
gnomAD v4.1: 7 of 1,613,678 alleles (0.00043%); highest among the groups gnomAD compares: Non-Finnish European, 0.00059%; no homozygotes.

Submission:

All of Us Research Program, National Institutes of Health
Classification: Uncertain significance for Arrhythmogenic cardiomyopathy with wooly hair and keratoderma. Last evaluated: 2023-04-10. Review status: criteria provided, single submitter. Criteria: ACMG Guidelines, 2015. Collection method: clinical testing. Allele origin: germline. Inheritance: Autosomal dominant inheritance. Observed: 1 variant allele, 1 heterozygote.
Comment: This missense variant replaces glutamic acid with glycine at codon 1800 of the DSP protein. Computational prediction suggests that this variant may not impact protein structure and function (internally defined REVEL score threshold <= 0.5, PMID: 27666373). To our knowledge, functional studies have not been reported for this variant. This variant has not been reported in individuals affected with DSP-related disorders in the literature. This variant has not been identified in the general population by the Genome Aggregation Database (gnomAD). The available evidence is insufficient to determine the role of this variant in disease conclusively. Therefore, this variant is classified as a Variant of Uncertain Significance.

This study involves interpretation of variants in research participants for the purpose of population health screening. Participant phenotype was not available at the time of variant classification. Additional details can be found in publication PMID: 35346344, PMCID: PMC8962531